The following is an entry in ClinVar:

NM_004260.4(RECQL4):c.1544C>G (p.Pro515Arg)

Gene: RECQL4 (RecQ like helicase 4; minus strand). Cytogenetic location: 8q24.3.
Variant type: single nucleotide variant.
Coding change: c.1544C>G on transcript NM_004260.4 (MANE Select); coding-DNA position 1544, C replaced by G.
Protein change: p.Pro515Arg; replaces proline 515 with arginine.
Molecular consequence: missense variant.
Genome position (GRCh38, 1-based): chr8:144,515,012, G>C on the plus strand (C>G on the coding strand, the complement: RECQL4 is on the minus strand). VCF-style: chr8-144515012-G-C. GRCh37 (hg19) VCF-style: chr8-145740396-G-C.
Other names: c.1544C>G (NM_004260.3); short protein forms P515R.
Identifiers: ClinVar variation 1364679 (VCV001364679.7), dbSNP rs1260540483, ClinGen allele CA372683910.

ClinVar aggregate classification (germline): Uncertain significance. Review status: criteria provided, multiple submitters, no conflicts (2 of 4 stars). 2 submissions from 2 submitters: Uncertain significance (2). Last evaluated 2025-01-18.

Conditions:
Baller-Gerold syndrome (BGS). Also called: CRANIOSYNOSTOSIS WITH RADIAL DEFECTS. Identifiers: Orphanet 1225, MedGen C0265308, MONDO:0009039, OMIM 218600.
Inborn genetic diseases. Identifiers: MedGen C0950123, MeSH D030342.

Submissions (2):

Ambry Genetics
Classification: Uncertain significance for Inborn genetic diseases. Last evaluated: 2025-01-18. Review status: criteria provided, single submitter. Criteria: Ambry Variant Classification Scheme 2023. Collection method: clinical testing. Allele origin: germline.
Comment: The p.P515R variant (also known as c.1544C>G), located in coding exon 9 of the RECQL4 gene, results from a C to G substitution at nucleotide position 1544. The proline at codon 515 is replaced by arginine, an amino acid with dissimilar properties. This amino acid position is conserved. In addition, this alteration is predicted to be deleterious by in silico analysis. Based on the available evidence, the clinical significance of this variant remains unclear.

Labcorp Genetics (formerly Invitae), Labcorp
Classification: Uncertain significance for Baller-Gerold syndrome. Last evaluated: 2021-09-18. Review status: criteria provided, single submitter. Criteria: Invitae Variant Classification Sherloc (09022015). Collection method: clinical testing. Allele origin: germline.
Comment: In summary, the available evidence is currently insufficient to determine the role of this variant in disease. Therefore, it has been classified as a Variant of Uncertain Significance. Experimental studies and prediction algorithms are not available or were not evaluated, and the functional significance of this variant is currently unknown. This variant has not been reported in the literature in individuals affected with RECQL4-related conditions. This variant is not present in population databases (ExAC no frequency). This sequence change replaces proline with arginine at codon 515 of the RECQL4 protein (p.Pro515Arg). The proline residue is highly conserved and there is a moderate physicochemical difference between proline and arginine.